The following is an entry in ClinVar:

ClinVar aggregate classification (germline): Uncertain significance (1 of 4 stars; one submission).

Conditions:
Glycogen storage disease IXd (GSD9D). Also called: Muscle Phosphorylase Kinase Deficiency; GSD IXd. Identifiers: Orphanet 715, MedGen C1845151, MONDO:0010362, OMIM 300559.

Submission:

Labcorp Genetics (formerly Invitae), Labcorp
Classification: Uncertain significance for Glycogen storage disease IXd. Last evaluated: 2021-04-24. Review status: criteria provided, single submitter. Criteria: Invitae Variant Classification Sherloc (09022015). Collection method: clinical testing. Allele origin: germline.
Comment: In summary, the available evidence is currently insufficient to determine the role of this variant in disease. Therefore, it has been classified as a Variant of Uncertain Significance. Algorithms developed to predict the effect of missense changes on protein structure and function are either unavailable or do not agree on the potential impact of this missense change (SIFT: "Deleterious"; PolyPhen-2: "Probably Damaging"; Align-GVGD: "Class C0"). This variant has not been reported in the literature in individuals with PHKA1-related conditions. This variant is not present in population databases (ExAC no frequency). This sequence change replaces aspartic acid with histidine at codon 1190 of the PHKA1 protein (p.Asp1190His). The aspartic acid residue is highly conserved and there is a moderate physicochemical difference between aspartic acid and histidine.

NM_002637.4(PHKA1):c.3568G>C (p.Asp1190His)

Gene: PHKA1 (phosphorylase kinase regulatory subunit alpha 1; minus strand). Cytogenetic location: Xq13.1.
Variant type: single nucleotide variant.
Coding change: c.3568G>C on transcript NM_002637.4 (MANE Select); coding-DNA position 3568, G replaced by C.
Protein change: p.Asp1190His; replaces aspartic acid 1190 with histidine.
Molecular consequence: missense variant.
Genome position (GRCh38, 1-based): chrX:72,581,106, C>G on the plus strand (G>C on the coding strand, the complement: PHKA1 is on the minus strand). VCF-style: chrX-72581106-C-G. GRCh37 (hg19) VCF-style: chrX-71800956-C-G.
Other names: c.3529G>C, p.Asp1177His (NM_001122670.2); c.3352G>C, p.Asp1118His (NM_001172436.2); short protein forms D1118H, D1190H, D1177H.
Identifiers: ClinVar variation 1463342 (VCV001463342.8), dbSNP rs2147636584, ClinGen allele CA413580401.